The following is an entry in ClinVar:

NM_015080.4(NRXN2):c.3254G>A (p.Arg1085His)

Gene: NRXN2 (neurexin 2; minus strand). Cytogenetic location: 11q13.1.
Variant type: single nucleotide variant.
Coding change: c.3254G>A on transcript NM_015080.4 (MANE Select); coding-DNA position 3254, G replaced by A.
Protein change: p.Arg1085His; replaces arginine 1085 with histidine.
Molecular consequence: missense variant.
Genome position (GRCh38, 1-based): chr11:64,648,763, C>T on the plus strand (G>A on the coding strand, the complement: NRXN2 is on the minus strand). VCF-style: chr11-64648763-C-T. GRCh37 (hg19) VCF-style: chr11-64416235-C-T.
Other names: c.3254G>A, p.Arg1085His (NM_001376262.1); c.3233G>A, p.Arg1078His (NM_001376263.1, NM_001376267.1); c.3209G>A, p.Arg1070His (NM_001376265.1); c.3230G>A, p.Arg1077His (NM_001376266.1); c.3134G>A, p.Arg1045His (NM_138732.3); short protein forms R1045H, R1070H, R1077H, R1078H, R1085H.
Identifiers: ClinVar variation 978098 (VCV000978098.3), dbSNP rs765542853, ClinGen allele CA6077987.

ClinVar aggregate classification (germline): Uncertain significance (1 of 4 stars; one submission).

Conditions:
NRXN2-associated Neurodevelopmental disorder.

Allele frequency attached by ClinVar (database versions not stated): ExAC 0.00002; gnomAD exomes 0.00002.

Submission:

New York Genome Center
Classification: Uncertain significance for NRXN2-associated Neurodevelopmental disorder. Last evaluated: 2021-02-05. Review status: criteria provided, single submitter. Criteria: NYGC Assertion Criteria 2020. Collection method: clinical testing. Allele origin: germline, maternal. Observed: 2 heterozygotes. Clinical features observed: Intellectual disability (HP:0001249), Autism (HP:0000717), Absent speech (HP:0001344), Self-injurious behavior (HP:0100716). Study: CSER-NYCKidSeq.
Comment: The c.3254G>A (p.Arg1085His) variant identified in the NRXN2 gene substitutes a moderately conserved Arginine for Histidine at amino acid 1085/1713 (exon 16/23). This variant is specific to the NRXN2 alpha transcript and is not present in the NRXN2beta isoform [For Review, PMID:33191396]. This variant is found with low frequency in gnomAD(v3.1) (2 heterozygotes, 0 homozygotes; allele frequency: 1.31e-5) suggesting it is not a common benign variant in the populations represented in that database. This variant is previously reported by the New York Genome Center in ClinVar (VarID:978098) as a Variant of Uncertain Significance, and to our current knowledge has not been reported in affected individuals in the literature. The p.Arg1085 residue is within the Laminin G-like 5 domain of NRXN2 (UniProtKB:Q9P2S2). Given the lack of compelling evidence for its pathogenicity, the c.3254G>A (p.Arg1085His) variant identified in the NRXN2 gene is reported as a Variant of Uncertain Significance.